The following is an entry in ClinVar:

NM_006295.3(VARS1):c.1331G>A (p.Cys444Tyr)

Gene: VARS1 (valyl-tRNA synthetase 1; minus strand). Cytogenetic location: 6p21.33.
Variant type: single nucleotide variant.
Coding change: c.1331G>A on transcript NM_006295.3 (MANE Select); coding-DNA position 1331, G replaced by A.
Protein change: p.Cys444Tyr; replaces cysteine 444 with tyrosine.
Molecular consequence: missense variant.
Genome position (GRCh38, 1-based): chr6:31,785,262, C>T on the plus strand (G>A on the coding strand, the complement: VARS1 is on the minus strand). VCF-style: chr6-31785262-C-T. GRCh37 (hg19) VCF-style: chr6-31753039-C-T.
Other names: short protein forms C444Y.
Identifiers: ClinVar variation 1031620 (VCV001031620.2), dbSNP rs1163907651, ClinGen allele CA363469056.

ClinVar aggregate classification (germline): Uncertain significance. Review status: criteria provided, multiple submitters, no conflicts (2 of 4 stars). 2 submissions from 2 submitters: Uncertain significance (2). Last evaluated 2021-07-23.

Conditions:
Neurodevelopmental disorder with microcephaly, seizures, and cortical atrophy. Identifiers: MedGen C4540493, MONDO:0060621, OMIM 617802.

Allele frequency attached by ClinVar (database versions not stated): gnomAD 0.00001; TOPMed 0.00001; gnomAD exomes 0.00002 and 0.00004.
gnomAD v4.1: 57 of 1,612,974 alleles (0.0035%); highest among the groups gnomAD compares: Non-Finnish European, 0.0043%; no homozygotes.

Submissions (2):

Pittsburgh Clinical Genomics Laboratory, University of Pittsburgh Medical Center
Classification: Uncertain significance for Neurodevelopmental disorder with microcephaly, seizures, and cortical atrophy. Last evaluated: 2021-07-23. Review status: criteria provided, single submitter. Criteria: ACMG Guidelines, 2015. Collection method: clinical testing. Allele origin: germline. Inheritance: Autosomal recessive inheritance. Affected: yes.
Comment: This sequence variant is a single nucleotide substitution (G>A) at position 1331 of the coding sequence of the VARS1 gene that results in a cystine to tyrosine amino acid change at residue 444 of the VARS1 protein. This variant is not found in online datasets of clinically annotated variants (ClinVar) and is rare in control population datasets (gnomAD database, 4 of 246994 alleles, 0.0016%). Bioinformatic tools provide conflicting predictions concerning the impact of this variant on VARS1 structure and/or function though the Cys444 residue is strongly conserved across the mammalian species examined. Studies examining the functiol consequence of this variant have not been published, to our knowledge. At this time, there is insufficient evidence to determine if this variant is pathogenic or benign. Therefore, we consider this a variant of uncertain significance. ACMG Criteria: PM2

Baylor Genetics
Classification: Uncertain significance for Neurodevelopmental disorder with microcephaly, seizures, and cortical atrophy. Last evaluated: 2018-11-27. Review status: criteria provided, single submitter. Criteria: ACMG Guidelines, 2015. Collection method: clinical testing. Allele origin: unknown. Affected: yes.
Comment: This variant was determined to be of uncertain significance according to ACMG Guidelines, 2015 [PMID:25741868].